The following is an entry in ClinVar:

ClinVar aggregate classification (germline): Likely pathogenic (1 of 4 stars; one submission).

Conditions:
Leber congenital amaurosis (LCA). Also called: Leber's amaurosis. Identifiers: Orphanet 65, MedGen C0339527, MeSH D057130, MONDO:0018998.

gnomAD v4.1: 1 of 1,612,036 alleles (0.000062%); highest among the groups gnomAD compares: South Asian, 0.0011%; no homozygotes.

Submission:

Natera, Inc.
Classification: Likely pathogenic for Leber congenital amaurosis. Last evaluated: 2025-04-23. Review status: criteria provided, single submitter. Criteria: Natera Variant Classification Schema (03/2026). Collection method: clinical testing. Allele origin: germline.
Comment: The c.3750-2A>G variant in CRB1 is a canonical splice acceptor site variant predicted to affect pre-mRNA splicing, which may result in an abnormal transcript and altered protein product. This variant is expected to result in nonsense mediated decay, truncation, or a dysfunctional protein product. This variant is rare in the general population with a frequency below the threshold expected for the associated phenotype(s). Given the available evidence, this variant is classified as Likely Pathogenic.

NM_201253.3(CRB1):c.3750-2A>G

Gene: CRB1 (crumbs cell polarity complex component 1; plus strand). Cytogenetic location: 1q31.3.
Variant type: single nucleotide variant.
Coding change: c.3750-2A>G on transcript NM_201253.3 (MANE Select); the canonical splice acceptor site of the intron before coding-DNA position 3750, A replaced by G.
Molecular consequence: splice acceptor variant.
Genome position (GRCh38, 1-based): chr1:197,438,545, A>G. VCF-style: chr1-197438545-A-G. GRCh37 (hg19) VCF-style: chr1-197407675-A-G.
Other names: c.3678-2A>G (NM_001257965.2); c.2142-2A>G (NM_001257966.2); c.3414-2A>G (NM_001193640.2).
Identifiers: ClinVar variation 4065486 (VCV004065486.2).